The following is an entry in ClinVar:

ClinVar aggregate classification (germline): Uncertain significance (1 of 4 stars; one submission).

Conditions:
Kabuki syndrome. Also called: Kabuki make-up syndrome; NIIKAWA-KUROKI SYNDROME. Identifiers: Orphanet 2322, MedGen C0796004, MONDO:0016512.

gnomAD v4.1: 1 of 1,614,044 alleles (0.000062%); highest among the groups gnomAD compares: Non-Finnish European, 0.000085%; no homozygotes.

Submission:

Labcorp Genetics (formerly Invitae), Labcorp
Classification: Uncertain significance for Kabuki syndrome. Last evaluated: 2024-02-08. Review status: criteria provided, single submitter. Criteria: Invitae Variant Classification Sherloc (09022015). Collection method: clinical testing. Allele origin: germline.
Comment: This sequence change replaces glycine, which is neutral and non-polar, with valine, which is neutral and non-polar, at codon 4999 of the KMT2D protein (p.Gly4999Val). This variant is not present in population databases (gnomAD no frequency). This variant has not been reported in the literature in individuals affected with KMT2D-related conditions. Advanced modeling of protein sequence and biophysical properties (such as structural, functional, and spatial information, amino acid conservation, physicochemical variation, residue mobility, and thermodynamic stability) performed at Invitae indicates that this missense variant is not expected to disrupt KMT2D protein function with a negative predictive value of 95%. In summary, the available evidence is currently insufficient to determine the role of this variant in disease. Therefore, it has been classified as a Variant of Uncertain Significance.

NM_003482.4(KMT2D):c.14996G>T (p.Gly4999Val)

Gene: KMT2D (lysine methyltransferase 2D; minus strand). Cytogenetic location: 12q13.12.
Variant type: single nucleotide variant.
Coding change: c.14996G>T on transcript NM_003482.4 (MANE Select); coding-DNA position 14996, G replaced by T.
Protein change: p.Gly4999Val; replaces glycine 4999 with valine.
Molecular consequence: missense variant.
Genome position (GRCh38, 1-based): chr12:49,026,970, C>A on the plus strand (G>T on the coding strand, the complement: KMT2D is on the minus strand). VCF-style: chr12-49026970-C-A. GRCh37 (hg19) VCF-style: chr12-49420753-C-A.
Other names: short protein forms G4999V.
Identifiers: ClinVar variation 3626220 (VCV003626220.2).